The following is an entry in ClinVar:

NM_001367624.2(ZNF469):c.6944C>G (p.Pro2315Arg)

Gene: ZNF469 (zinc finger protein 469; plus strand). Cytogenetic location: 16q24.2.
Variant type: single nucleotide variant.
Coding change: c.6944C>G on transcript NM_001367624.2 (MANE Select); coding-DNA position 6944, C replaced by G.
Protein change: p.Pro2315Arg; replaces proline 2315 with arginine.
Molecular consequence: missense variant.
Genome position (GRCh38, 1-based): chr16:88,434,414, C>G. VCF-style: chr16-88434414-C-G. GRCh37 (hg19) VCF-style: chr16-88500822-C-G.
Other names: NM_001127464.1:c.6860C>G; p.Pro2315Arg; short protein forms P2315R.
Identifiers: ClinVar variation 320962 (VCV000320962.18), dbSNP rs77490207, ClinGen allele CA8225197.

ClinVar aggregate classification (germline): Benign/Likely benign. Review status: criteria provided, multiple submitters, no conflicts (2 of 4 stars). 8 submissions from 8 submitters: Benign (6); Likely benign (2). Last evaluated 2026-02-02.

Conditions:
Brittle cornea syndrome 1 (BCS1). Also called: CORNEAL FRAGILITY, KERATOGLOBUS, BLUE SCLERAE, JOINT HYPEREXTENSIBILITY; EDS6B; FRAGILITAS OCULI WITH JOINT HYPEREXTENSIBILITY; DYSGENESIS MESODERMALIS CORNEAE ET SCLERAE; Corneal fragility keratoglobus, blue sclerae AND joint hypermobility. Identifiers: Orphanet 90354, MedGen C0268344, MONDO:0024543, OMIM 229200.
Cardiovascular phenotype. Identifiers: MedGen CN230736.

Allele frequency attached by ClinVar (database versions not stated): gnomAD 0.01795 and 0.01671; TOPMed 0.01914; 1000 Genomes Project 30x 0.01999; gnomAD exomes 0.00152 and 0.00378; ExAC 0.00511; 1000 Genomes Project 0.01717.
gnomAD v4.1: 4,809 of 1,549,764 alleles (0.31%); highest among the groups gnomAD compares: African/African-American, 5.7%; 136 homozygotes.

Submissions (8):

Labcorp Genetics (formerly Invitae), Labcorp
Classification: Benign. Last evaluated: 2026-02-02. Review status: criteria provided, single submitter. Criteria: Invitae Variant Classification Sherloc (09022015). Collection method: clinical testing. Allele origin: germline.

Women's Health and Genetics/Laboratory Corporation of America, LabCorp
Classification: Likely benign. Last evaluated: 2026-01-22. Review status: criteria provided, single submitter. Criteria: LabCorp Variant Classification Summary - May 2015. Collection method: clinical testing. Allele origin: germline.

Mayo Clinic Laboratories, Mayo Clinic
Classification: Benign. Last evaluated: 2023-03-14. Review status: criteria provided, single submitter. Criteria: ACMG Guidelines, 2015. Collection method: clinical testing. Allele origin: germline. Observed: 13 variant alleles.
Comment: BA1, BS2, BP4

Genome-Nilou Lab
Classification: Benign for Brittle cornea syndrome 1. Last evaluated: 2021-12-05. Review status: criteria provided, single submitter. Criteria: ACMG Guidelines, 2015. Collection method: clinical testing. Allele origin: germline. Affected: no.

Ambry Genetics
Classification: Benign for Cardiovascular phenotype. Last evaluated: 2019-04-24. Review status: criteria provided, single submitter. Criteria: Ambry Variant Classification Scheme 2023. Collection method: clinical testing. Allele origin: germline.

Center for Pediatric Genomic Medicine, Children's Mercy Hospital and Clinics
Classification: Benign. Last evaluated: 2017-01-02. Review status: criteria provided, single submitter. Criteria: ACMG Guidelines, 2015. Collection method: clinical testing. Allele origin: germline.

GeneDx
Classification: Benign. Last evaluated: 2016-10-19. Review status: criteria provided, single submitter. Criteria: GeneDx Variant Classification (06012015). Collection method: clinical testing. Allele origin: germline. Affected: yes.
Comment: This variant is considered likely benign or benign based on one or more of the following criteria: it is a conservative change, it occurs at a poorly conserved position in the protein, it is predicted to be benign by multiple in silico algorithms, and/or has population frequency not consistent with disease.

Breakthrough Genomics
Classification: Likely benign. Review status: criteria provided, single submitter. Criteria: ACMG Guidelines, 2015. Collection method: not provided. Allele origin: germline. Inheritance: Autosomal recessive inheritance. Affected: yes.

Literature cited by the submitters: PubMed 29228253 (cited by Mayo Clinic Laboratories, Mayo Clinic).